The following is an entry in ClinVar:

ClinVar aggregate classification (germline): Conflicting classifications of pathogenicity. Review status: criteria provided, conflicting classifications (1 of 4 stars). 5 submissions from 5 submitters: Uncertain significance (1); Likely benign (3). 1 of the submissions does not count toward it. Last evaluated 2026-01-31.

Conditions:
ABCC6-related disorder. Also called: ABCC6-related condition.

Allele frequency attached by ClinVar (database versions not stated): gnomAD 0.00001 and 0.00002; ExAC 0.00003; TOPMed 0.00003; gnomAD exomes 0.00004 and 0.00005.
gnomAD v4.1: 78 of 1,613,766 alleles (0.0048%); highest among the groups gnomAD compares: East Asian, 0.018%; no homozygotes.

Submissions (5):

Labcorp Genetics (formerly Invitae), Labcorp
Classification: Likely benign. Last evaluated: 2026-01-31. Review status: criteria provided, single submitter. Criteria: Invitae Variant Classification Sherloc (09022015). Collection method: clinical testing. Allele origin: germline.

CeGaT Center for Human Genetics Tuebingen
Classification: Likely benign. Last evaluated: 2025-09-01. Review status: criteria provided, single submitter. Criteria: CeGaT Center For Human Genetics Tuebingen Variant Classification Criteria Version 2. Collection method: clinical testing. Allele origin: germline. Affected: yes. Observed: 1 variant allele.
Comment: ABCC6: BP4, BP7

Blueprint Genetics
Classification: Likely benign. Last evaluated: 2022-09-01. Review status: criteria provided, single submitter. Criteria: ACMG Guidelines, 2015. Collection method: clinical testing. Allele origin: germline.

Breakthrough Genomics
Classification: Uncertain significance. Review status: criteria provided, single submitter. Criteria: ACMG Guidelines, 2015. Collection method: not provided. Allele origin: germline. Inheritance: Autosomal recessive inheritance. Affected: yes.

PreventionGenetics, part of Exact Sciences
Classification: Likely benign for ABCC6-related condition. Last evaluated: 2024-09-06. Review status: no assertion criteria provided. Collection method: clinical testing. Allele origin: germline. Not counted in ClinVar's aggregate classification.
Comment: This variant is classified as likely benign based on ACMG/AMP sequence variant interpretation guidelines (Richards et al. 2015 PMID: 25741868, with internal and published modifications).

NM_001171.6(ABCC6):c.2343G>A (p.Ala781=)

Gene: ABCC6 (ATP binding cassette subfamily C member 6; minus strand). Cytogenetic location: 16p13.11.
Variant type: single nucleotide variant.
Coding change: c.2343G>A on transcript NM_001171.6 (MANE Select); coding-DNA position 2343, G replaced by A.
Protein change: p.Ala781=; no amino-acid change (alanine 781 retained).
Molecular consequence: synonymous variant. On other transcripts: non-coding transcript variant (1).
Genome position (GRCh38, 1-based): chr16:16,178,870, C>T on the plus strand (G>A on the coding strand, the complement: ABCC6 is on the minus strand). VCF-style: chr16-16178870-C-T. GRCh37 (hg19) VCF-style: chr16-16272727-C-T.
Other names: c.2343G>A (NM_001171.5); c.2001G>A, p.Ala667= (NM_001351800.1).
Identifiers: ClinVar variation 1376657 (VCV001376657.16), dbSNP rs768106519, ClinGen allele CA7925954.